The following is an entry in ClinVar:

ClinVar aggregate classification (germline): Pathogenic (1 of 4 stars; one submission).

Conditions:
Dihydropteridine reductase deficiency (HPABH4C). Also called: BH4-Deficient Hyperphenylalaninemia C; HYPERPHENYLALANINEMIA, TETRAHYDROBIOPTERIN-DEFICIENT, DUE TO DHPR DEFICIENCY; QDPR DEFICIENCY; QUINOID DIHYDROPTERIDINE REDUCTASE DEFICIENCY; Phenylketonuria II; Hyperphenylalaninemia due to dihydropteridine reductase deficiency. Identifiers: Orphanet 226, Orphanet 238583, MedGen C0268465, MONDO:0009862, OMIM 261630.

Allele frequency attached by ClinVar (database versions not stated): gnomAD exomes below 0.00001.
gnomAD v4.1: 3 of 1,613,520 alleles (0.00019%); no homozygotes.

Submission:

Labcorp Genetics (formerly Invitae), Labcorp
Classification: Pathogenic for Dihydropteridine reductase deficiency. Last evaluated: 2022-08-16. Review status: criteria provided, single submitter. Criteria: Invitae Variant Classification Sherloc (09022015). Collection method: clinical testing. Allele origin: germline.
Comment: For these reasons, this variant has been classified as Pathogenic. Algorithms developed to predict the effect of sequence changes on RNA splicing suggest that this variant may disrupt the consensus splice site. This variant has not been reported in the literature in individuals affected with QDPR-related conditions. This variant is not present in population databases (gnomAD no frequency). This sequence change creates a premature translational stop signal (p.Gln66*) in the QDPR gene. It is expected to result in an absent or disrupted protein product. Loss-of-function variants in QDPR are known to be pathogenic (PMID: 7627180, 11153907).

Literature cited by the submitters: PubMed 7627180; PubMed 11153907.

NM_000320.3(QDPR):c.196C>T (p.Gln66Ter)

Gene: QDPR (quinoid dihydropteridine reductase; minus strand). Cytogenetic location: 4p15.32.
Variant type: single nucleotide variant.
Coding change: c.196C>T on transcript NM_000320.3 (MANE Select); coding-DNA position 196, C replaced by T.
Protein change: p.Gln66Ter; replaces glutamine 66 with a stop codon.
Molecular consequence: nonsense. On other transcripts: non-coding transcript variant (1), intron variant (1).
Genome position (GRCh38, 1-based): chr4:17,509,273, G>A on the plus strand (C>T on the coding strand, the complement: QDPR is on the minus strand). VCF-style: chr4-17509273-G-A. GRCh37 (hg19) VCF-style: chr4-17510896-G-A.
Other names: c.105+2677C>T (NM_001306140.2); short protein forms Q66*.
Identifiers: ClinVar variation 2128493 (VCV002128493.4), dbSNP rs2474680455, ClinGen allele CA356452789.